The following is an entry in ClinVar:

ClinVar aggregate classification (germline): Pathogenic (1 of 4 stars; one submission).

Submission:

Labcorp Genetics (formerly Invitae), Labcorp
Classification: Pathogenic. Last evaluated: 2022-12-15. Review status: criteria provided, single submitter. Criteria: Invitae Variant Classification Sherloc (09022015). Collection method: clinical testing. Allele origin: germline.
Comment: This sequence change creates a premature translational stop signal (p.Ser1105*) in the PCARE gene. It is expected to result in an absent or disrupted protein product. Loss-of-function variants in PCARE are known to be pathogenic (PMID: 20398886, 24339724, 26496393). This variant is not present in population databases (gnomAD no frequency). This variant has not been reported in the literature in individuals affected with PCARE-related conditions. For these reasons, this variant has been classified as Pathogenic.

Literature cited by the submitters: PubMed 20398886; PubMed 24339724; PubMed 26496393.

NM_001029883.3(PCARE):c.3314_3315del (p.Asp1104_Ser1105insTer)

Gene: PCARE (photoreceptor cilium actin regulator; minus strand). Cytogenetic location: 2p23.2.
Variant type: Microsatellite.
Coding change: c.3314_3315del on transcript NM_001029883.3 (MANE Select); coding-DNA positions 3314 to 3315, 2 bases deleted (CT; older notation c.3314_3315delCT).
Protein change: p.Asp1104_Ser1105insTer.
Molecular consequence: nonsense.
Genome position (GRCh38, 1-based): chr2:29,070,947-29,070,948, AG deleted on the plus strand (CT on the coding strand, the reverse complement: PCARE is on the minus strand); deleting any 2 consecutive bases within chr2:29,070,947-29,070,950 gives the same sequence; the c. name uses the placement nearest the transcript's 3' end. VCF-style (leftmost placement, unchanged base first): chr2-29070946-CAG-C. GRCh37 (hg19) VCF-style: chr2-29293812-CAG-C.
Identifiers: ClinVar variation 1456459 (VCV001456459.6), dbSNP rs2148414919, ClinGen allele CA2580611263.